The following is an entry in ClinVar:

ClinVar aggregate classification (germline): Uncertain significance. Review status: criteria provided, multiple submitters, no conflicts (2 of 4 stars). 2 submissions from 2 submitters: Uncertain significance (2). Last evaluated 2025-07-01.

Conditions:
Epidermolysis bullosa simplex 3, localized or generalized intermediate, with BP230 deficiency (EBS3). Also called: Epidermolysis bullosa simplex due to BP230 deficiency; Epidermolysis bullosa simplex, autosomal recessive 2. Identifiers: Orphanet 412181, MedGen C3809470, MONDO:0014180, OMIM 615425.
Hereditary sensory and autonomic neuropathy type 6. Also called: HSAN VI; Neuropathy, hereditary sensory and autonomic, type VI. Identifiers: Orphanet 314381, MedGen C3539003, MONDO:0013839, OMIM 614653.

Allele frequency attached by ClinVar (database versions not stated): ExAC 0.00003.
gnomAD v4.1: 6 of 1,579,782 alleles (0.00038%); highest among the groups gnomAD compares: Non-Finnish European, 0.00043%; no homozygotes.

Submissions (2):

CeGaT Center for Human Genetics Tuebingen
Classification: Uncertain significance. Last evaluated: 2025-07-01. Review status: criteria provided, single submitter. Criteria: CeGaT Center For Human Genetics Tuebingen Variant Classification Criteria Version 2. Collection method: clinical testing. Allele origin: germline. Affected: yes. Observed: 1 variant allele.
Comment: DST: PM2

Labcorp Genetics (formerly Invitae), Labcorp
Classification: Uncertain significance for Epidermolysis bullosa simplex 3, localized or generalized intermediate, with BP230 deficiency; Hereditary sensory and autonomic neuropathy type 6. Last evaluated: 2020-05-21. Review status: criteria provided, single submitter. Criteria: Invitae Variant Classification Sherloc (09022015). Collection method: clinical testing. Allele origin: germline.
Comment: This variant is present in population databases (rs769166134, ExAC 0.005%). In summary, the available evidence is currently insufficient to determine the role of this variant in disease. Therefore, it has been classified as a Variant of Uncertain Significance. Experimental studies and prediction algorithms are not available or were not evaluated, and the functional significance of this variant is currently unknown. This variant has not been reported in the literature in individuals with DST-related conditions. This sequence change replaces glutamine with proline at codon 3245 of the DST protein (p.Gln3245Pro). The glutamine residue is moderately conserved and there is a moderate physicochemical difference between the two amino acids. The DST gene has multiple clinically relevant transcripts. This variant occurs in alternate transcript NM_015548.4, and corresponds to NM_001723.5:c.*86599A>C in the primary transcript.

NM_001374736.1(DST):c.17603A>C (p.Gln5868Pro)

Gene: DST (dystonin; minus strand). Cytogenetic location: 6p12.1.
Variant type: single nucleotide variant.
Coding change: c.17603A>C on transcript NM_001374736.1 (MANE Select); coding-DNA position 17603, A replaced by C.
Protein change: p.Gln5868Pro; replaces glutamine 5868 with proline.
Molecular consequence: missense variant.
Genome position (GRCh38, 1-based): chr6:56,528,918, T>G on the plus strand (A>C on the coding strand, the complement: DST is on the minus strand). VCF-style: chr6-56528918-T-G. GRCh37 (hg19) VCF-style: chr6-56393716-T-G.
Other names: c.11246A>C, p.Gln3749Pro (NM_001144769.5); c.10832A>C, p.Gln3611Pro (NM_001144770.2); c.17603A>C, p.Gln5868Pro (NM_001374722.1); c.16643A>C, p.Gln5548Pro (NM_001374729.1); c.10385A>C, p.Gln3462Pro (NM_001374730.1); c.17630A>C, p.Gln5877Pro (NM_001374734.1); c.10712A>C, p.Gln3571Pro (NM_001386100.1, NM_183380.4); c.9734A>C, p.Gln3245Pro (NM_015548.5); short protein forms Q3462P, Q3611P, Q3749P, Q5548P, Q3245P, Q5868P, Q5877P, Q3571P.
Identifiers: ClinVar variation 1040205 (VCV001040205.13), dbSNP rs769166134, ClinGen allele CA3867404.
Genomic context (GRCh38, chr6:56,528,918, plus strand): 5'-AGTTCTAAACCATTTAGTAAAGCCTGATCTACATTTTGTTTCCTGAGTAAGATGTCCTCT[T>G]GCAGAACCTGAAAACACAGGTACCATTTTTATGTGGGGGGAAAAACATTTAAGTTAGCAT-3'
Protein context (NP_001361665.1, residues 5858-5878): WKQQSELRVL[Gln5868Pro]EDILLRKQNV